The following is an entry in ClinVar:

NM_001194.4(HCN2):c.2588G>A (p.Arg863His)

Gene: HCN2 (hyperpolarization activated cyclic nucleotide gated potassium and sodium channel 2; plus strand). Cytogenetic location: 19p13.3.
Variant type: single nucleotide variant.
Coding change: c.2588G>A on transcript NM_001194.4 (MANE Select); coding-DNA position 2588, G replaced by A.
Protein change: p.Arg863His; replaces arginine 863 with histidine.
Molecular consequence: missense variant.
Genome position (GRCh38, 1-based): chr19:616,392, G>A. VCF-style: chr19-616392-G-A. GRCh37 (hg19) VCF-style: chr19-616392-G-A.
Other names: short protein forms R863H.
Identifiers: ClinVar variation 2395421 (VCV002395421.3), dbSNP rs775586517, ClinGen allele CA9018899.

ClinVar aggregate classification (germline): Uncertain significance. Review status: criteria provided, multiple submitters, no conflicts (2 of 4 stars). 2 submissions from 2 submitters: Uncertain significance (2). Last evaluated 2026-10-01.

Conditions:
Inborn genetic diseases. Identifiers: MedGen C0950123, MeSH D030342.

gnomAD v4.1: 29 of 1,238,752 alleles (0.0023%); highest among the groups gnomAD compares: Middle Eastern, 0.033%; no homozygotes.

Submissions (2):

CeGaT Center for Human Genetics Tuebingen
Classification: Uncertain significance. Last evaluated: 2026-10-01. Review status: criteria provided, single submitter. Criteria: CeGaT Center For Human Genetics Tuebingen Variant Classification Criteria Version 2. Collection method: clinical testing. Allele origin: germline. Affected: yes. Observed: 1 variant allele.
Comment: HCN2: PM2, PP3

Ambry Genetics
Classification: Uncertain significance for Inborn genetic diseases. Last evaluated: 2022-08-02. Review status: criteria provided, single submitter. Criteria: Ambry Variant Classification Scheme 2023. Collection method: clinical testing. Allele origin: germline.